The following is an entry in ClinVar:

NM_000548.5(TSC2):c.4823_4825del (p.Tyr1608del)

Gene: TSC2 (TSC complex subunit 2; plus strand). Cytogenetic location: 16p13.3.
Variant type: Deletion.
Coding change: c.4823_4825del on transcript NM_000548.5 (MANE Select); coding-DNA positions 4823 to 4825, 3 bases deleted (ACT; older notation c.4823_4825delACT).
Protein change: p.Tyr1608del; deletes tyrosine 1608.
Molecular consequence: inframe deletion.
Genome position (GRCh38, 1-based): chr16:2,086,353-2,086,355, ACT deleted; deleting any 3 consecutive bases within chr16:2,086,351-2,086,355 gives the same sequence; the c. name uses the placement nearest the transcript's 3' end. VCF-style (leftmost placement, unchanged base first): chr16-2086350-CCTA-C. GRCh37 (hg19) VCF-style: chr16-2136351-CCTA-C.
Other names: c.4091_4093del, p.Tyr1364del (NM_001318831.2); c.4655_4657del, p.Tyr1552del (NM_001318832.2); c.4625_4627del, p.Tyr1542del (NM_001363528.2); c.4691_4693del, p.Tyr1564del (NM_001370404.1); c.4694_4696del, p.Tyr1565del (NM_001370405.1, NM_021055.3); c.4622_4624del, p.Tyr1541del (NM_001077183.3); c.4754_4756del, p.Tyr1585del (NM_001114382.3); c.4514_4516del, p.Tyr1505del (NM_001318827.2); and 1 more; short protein forms Y1608del, Y1542del, Y1564del, Y1565del, Y1364del, Y1493del, Y1505del, Y1541del.
Identifiers: ClinVar variation 49833 (VCV000049833.10), dbSNP rs137854399, ClinGen allele CA021040.

ClinVar aggregate classification (germline): Pathogenic. Review status: criteria provided, multiple submitters, no conflicts (2 of 4 stars). 3 submissions from 3 submitters: Pathogenic (2). 1 of the submissions does not count toward it. Last evaluated 2023-12-07.

Conditions:
Tuberous sclerosis syndrome (TSC). Also called: Tuberous Sclerosis Complex; Tuberous sclerosis. Identifiers: Orphanet 805, MedGen C0041341, MONDO:0001734.
Tuberous sclerosis 2 (TSC2). Identifiers: Orphanet 805, MedGen C1860707, MONDO:0013199, OMIM 613254.

Submissions (3):

Labcorp Genetics (formerly Invitae), Labcorp
Classification: Pathogenic for Tuberous sclerosis 2. Last evaluated: 2023-12-07. Review status: criteria provided, single submitter. Criteria: Invitae Variant Classification Sherloc (09022015). Collection method: clinical testing. Allele origin: germline.
Comment: This variant, c.4823_4825del, results in the deletion of 1 amino acid(s) of the TSC2 protein (p.Tyr1608del), but otherwise preserves the integrity of the reading frame. This variant is not present in population databases (gnomAD no frequency). This variant has been observed in individual(s) with clinical features of tuberous sclerosis complex and/or tuberous sclerosis complex (PMID: 11112665, 15798777, 21520333, 22867869, 25782670; Invitae). In at least one individual the variant was observed to be de novo. ClinVar contains an entry for this variant (Variation ID: 49833). Experimental studies and prediction algorithms are not available or were not evaluated, and the functional significance of this variant is currently unknown. For these reasons, this variant has been classified as Pathogenic.

GeneDx
Classification: Pathogenic. Last evaluated: 2023-07-26. Review status: criteria provided, single submitter. Criteria: GeneDx Variant Classification Process June 2021. Collection method: clinical testing. Allele origin: germline. Affected: yes.
Comment: In-frame deletion of 1 amino acid in a non-repeat region; Not observed at significant frequency in large population cohorts (gnomAD); In silico analysis supports a deleterious effect on protein structure/function; This variant is associated with the following publications: (PMID: 22867869, 15798777, 25782670, Almeida2019[thesis], 11112665)

Tuberous sclerosis database (TSC2)
No classification provided. Condition: TSC. Review status: no classification provided. Criteria: Tuberous Sclerosis Database Assertion Criteria 2015. Collection method: curation. Allele origin: germline. Affected: yes. Not counted in ClinVar's aggregate classification.

Literature cited by the submitters: PubMed 11112665 (cited by Labcorp Genetics (formerly Invitae), Labcorp); PubMed 15798777 (cited by Labcorp Genetics (formerly Invitae), Labcorp); PubMed 21520333 (cited by Labcorp Genetics (formerly Invitae), Labcorp); PubMed 22867869 (cited by Labcorp Genetics (formerly Invitae), Labcorp); PubMed 25782670 (cited by Labcorp Genetics (formerly Invitae), Labcorp).